The following is an entry in ClinVar:

ClinVar aggregate classification (germline): Uncertain significance (1 of 4 stars; one submission).

gnomAD v4.1: 2 of 1,614,008 alleles (0.00012%); highest among the groups gnomAD compares: Non-Finnish European, 0.00017%; no homozygotes.

Submission:

GeneDx
Classification: Uncertain significance. Last evaluated: 2023-11-12. Review status: criteria provided, single submitter. Criteria: GeneDx Variant Classification Process June 2021. Collection method: clinical testing. Allele origin: germline. Affected: yes.
Comment: Not observed at significant frequency in large population cohorts (gnomAD); In silico analysis supports that this missense variant has a deleterious effect on protein structure/function; Has not been previously published as pathogenic or benign to our knowledge

NM_017872.5(THG1L):c.521G>C (p.Ser174Thr)

Gene: THG1L (tRNA-histidine guanylyltransferase 1 like; plus strand). Cytogenetic location: 5q33.3.
Variant type: single nucleotide variant.
Coding change: c.521G>C on transcript NM_017872.5 (MANE Select); coding-DNA position 521, G replaced by C.
Protein change: p.Ser174Thr; replaces serine 174 with threonine.
Molecular consequence: missense variant.
Genome position (GRCh38, 1-based): chr5:157,734,728, G>C. VCF-style: chr5-157734728-G-C. GRCh37 (hg19) VCF-style: chr5-157161736-G-C.
Other names: c.125G>C, p.Ser42Thr (NM_001317824.2); c.146G>C, p.Ser49Thr (NM_001317825.2); c.335G>C, p.Ser112Thr (NM_001317826.2); short protein forms S112T, S174T, S42T, S49T.
Identifiers: ClinVar variation 3364256 (VCV003364256.1).